The following is an entry in ClinVar:

NM_001370100.5(ZMYND11):c.1516GAA[2] (p.Glu508del)

Genes: ZMYND11 (zinc finger MYND-type containing 11; plus strand), LOC126860802 (BRD4-independent group 4 enhancer GRCh37_chr10:294268-295467; plus strand). Cytogenetic location: 10p15.3.
Variant type: Microsatellite.
Coding change: c.1516GAA[2] on transcript NM_001370100.5 (MANE Select); two copies in a row of the 3-base unit GAA starting at c.1516; the reference has three copies in a row; one copy, 3 bases deleted.
Protein change: p.Glu508del; deletes glutamic acid 508.
Molecular consequence: inframe deletion. On other transcripts: non-coding transcript variant (1).
Genome position (GRCh38, 1-based): chr10:248,924-248,926, GAA deleted; deleting any 3 consecutive bases within chr10:248,918-248,926 gives the same sequence; the position shown is the placement nearest the transcript's 3' end. VCF-style (leftmost placement, unchanged base first): chr10-248917-GGAA-G. GRCh37 (hg19) VCF-style: chr10-294857-GGAA-G.
Other names: c.1516GAA[2], p.Glu508del (NM_001370101.2, NM_001370102.2, NM_001370097.3 and 4 more transcripts); c.1465GAA[2], p.Glu491del (NM_001330057.3, NM_001370112.2); c.1354GAA[2], p.Glu454del (NM_001370103.2, NM_001370104.2, NM_001370105.2 and 6 more transcripts); c.1261GAA[2], p.Glu423del (NM_001202465.3, NM_001370110.2); c.1351GAA[2], p.Glu453del (NM_001202466.3, NM_001370111.2); c.1423GAA[2], p.Glu477del (NM_001370113.2, NM_001370114.2); c.1513GAA[2], p.Glu507del (NM_001370115.2, NM_212479.4); c.1450GAA[2], p.Glu486del (NM_001370116.2); and 8 more; short protein forms E351del, E389del, E406del, E414del, E423del, E432del, E453del, E454del.
Identifiers: ClinVar variation 1196181 (VCV001196181.2), dbSNP rs2131976871, ClinGen allele CA2580615423.
Genomic context (GRCh38, chr10:248,917, plus strand): 5'-TGTTAAGTTGTGTGCTGACGCACTGTGGGTTGTCTTTTCATTCCAGCTGCGTTCTGAAAT[GGAA>G]GAAGAAAAGAGACAAGCTGTAAATAAAGCTGTAGCCAACATGCAGGGTGAGATGGACAGA-3'

ClinVar aggregate classification (germline): Uncertain significance (1 of 4 stars; one submission).

Submission:

GeneDx
Classification: Uncertain significance. Last evaluated: 2019-08-28. Review status: criteria provided, single submitter. Criteria: GeneDx Variant Classification Process June 2021. Collection method: clinical testing. Allele origin: germline. Affected: yes.
Comment: Not observed in large population cohorts (Lek et al., 2016); In-frame deletion of 1 amino acid in a non-repeat region; In silico analysis, which includes protein predictors and evolutionary conservation, supports a deleterious effect; Has not been previously published as pathogenic or benign to our knowledge